The following is an entry in ClinVar:

NM_001365951.3(KIF1B):c.331C>G (p.Gln111Glu)

Gene: KIF1B (kinesin family member 1B; plus strand). Cytogenetic location: 1p36.22.
Variant type: single nucleotide variant.
Coding change: c.331C>G on transcript NM_001365951.3 (MANE Select); coding-DNA position 331, C replaced by G.
Protein change: p.Gln111Glu; replaces glutamine 111 with glutamic acid.
Molecular consequence: missense variant.
Genome position (GRCh38, 1-based): chr1:10,258,640, C>G. VCF-style: chr1-10258640-C-G. GRCh37 (hg19) VCF-style: chr1-10318698-C-G.
Other names: c.331C>G, p.Gln111Glu (NM_001365952.1, NM_001365953.1, NM_015074.3 and 1 more transcripts); short protein forms Q111E.
Identifiers: ClinVar variation 4092313 (VCV004092313.1).

ClinVar aggregate classification (germline): Uncertain significance (1 of 4 stars; one submission).

Submission:

Ambry Genetics
Classification: Uncertain significance. Last evaluated: 2025-06-18. Review status: criteria provided, single submitter. Criteria: Ambry Variant Classification Scheme 2023. Collection method: clinical testing. Allele origin: germline.
Comment: The p.Q111E variant (also known as c.331C>G), located in coding exon 3 of the KIF1B gene, results from a C to G substitution at nucleotide position 331. The glutamine at codon 111 is replaced by glutamic acid, an amino acid with highly similar properties. This amino acid position is highly conserved in available vertebrate species. In addition, the in silico prediction for this alteration is inconclusive. The evidence for this gene-disease relationship is limited; therefore, the clinical significance of this alteration is unclear.